The following is an entry in ClinVar:

NM_000238.4(KCNH2):c.198C>A (p.Cys66Ter)

Gene: KCNH2 (potassium voltage-gated channel subfamily H member 2; minus strand). Cytogenetic location: 7q36.1.
Variant type: single nucleotide variant.
Coding change: c.198C>A on transcript NM_000238.4 (MANE Select); coding-DNA position 198, C replaced by A.
Protein change: p.Cys66Ter; replaces cysteine 66 with a stop codon.
Molecular consequence: nonsense.
Genome position (GRCh38, 1-based): chr7:150,974,820, G>T on the plus strand (C>A on the coding strand, the complement: KCNH2 is on the minus strand). VCF-style: chr7-150974820-G-T. GRCh37 (hg19) VCF-style: chr7-150671908-G-T.
Other names: c.21C>A, p.Cys7Ter (NM_001406755.1); c.198C>A, p.Cys66Ter (NM_172056.3); short protein forms C66*, C7*.
Identifiers: ClinVar variation 863419 (VCV000863419.8), dbSNP rs1801935667, ClinGen allele CA369865646.

ClinVar aggregate classification (germline): Pathogenic (1 of 4 stars; one submission).

Conditions:
Long QT syndrome (LQTS). Identifiers: MedGen C0023976, MeSH D008133, MONDO:0002442. Disease mechanism: loss of function. Inheritance: Various modes of inheritance.

Submission:

Labcorp Genetics (formerly Invitae), Labcorp
Classification: Pathogenic for Long QT syndrome. Last evaluated: 2019-04-09. Review status: criteria provided, single submitter. Criteria: Invitae Variant Classification Sherloc (09022015). Collection method: clinical testing. Allele origin: germline.
Comment: For these reasons, this variant has been classified as Pathogenic. Loss-of-function variants in KCNH2 are known to be pathogenic (PMID: 10973849, 19862833). This variant has not been reported in the literature in individuals with KCNH2-related conditions. This variant is not present in population databases (ExAC no frequency). This sequence change creates a premature translational stop signal (p.Cys66*) in the KCNH2 gene. It is expected to result in an absent or disrupted protein product.

Literature cited by the submitters: PubMed 10973849; PubMed 19862833.